The following is an entry in ClinVar:

ClinVar aggregate classification (germline): Pathogenic/Likely pathogenic. Review status: criteria provided, multiple submitters, no conflicts (2 of 4 stars). 2 submissions from 2 submitters: Pathogenic (1); Likely pathogenic (1). Last evaluated 2024-09-30.

Conditions:
Duchenne muscular dystrophy (DMD). Also called: MUSCULAR DYSTROPHY, PSEUDOHYPERTROPHIC PROGRESSIVE, DUCHENNE TYPE; Duchenne Muscular Dystrophy (DMD). Identifiers: Orphanet 98896, MedGen C0013264, MONDO:0010679, OMIM 310200.
Becker muscular dystrophy, Cardiomyopathy, Duchenne muscular dystrophy, Dystrophin deficiency.

Submissions (2):

Natera, Inc.
Classification: Likely pathogenic for Becker muscular dystrophy, Cardiomyopathy, Duchenne muscular dystrophy, Dystrophin deficiency. Last evaluated: 2024-09-30. Review status: criteria provided, single submitter. Criteria: Natera Variant Classification Schema (03/2026). Collection method: clinical testing. Allele origin: germline.
Comment: The c.1299C>A variant in DMD is a nonsense variant predicted to introduce a stop codon at amino acid 433. This variant is expected to result in nonsense mediated decay, truncation, or a dysfunctional protein product. This variant is rare in the general population with a frequency below the threshold expected for the associated phenotype(s). Given the available evidence, this variant is classified as Likely Pathogenic.

Labcorp Genetics (formerly Invitae), Labcorp
Classification: Pathogenic for Duchenne muscular dystrophy. Last evaluated: 2020-11-26. Review status: criteria provided, single submitter. Criteria: Invitae Variant Classification Sherloc (09022015). Collection method: clinical testing. Allele origin: germline.
Comment: This variant is not present in population databases (ExAC no frequency). For these reasons, this variant has been classified as Pathogenic. This variant has not been reported in the literature in individuals with DMD-related conditions. This sequence change creates a premature translational stop signal (p.Cys433*) in the DMD gene. It is expected to result in an absent or disrupted protein product. Loss-of-function variants in DMD are known to be pathogenic (PMID: 16770791, 25007885).

Literature cited by the submitters: PubMed 16770791 (cited by Labcorp Genetics (formerly Invitae), Labcorp); PubMed 25007885 (cited by Labcorp Genetics (formerly Invitae), Labcorp).

NM_004006.3(DMD):c.1299C>A (p.Cys433Ter)

Gene: DMD (dystrophin; minus strand). Cytogenetic location: Xp21.1.
Variant type: single nucleotide variant.
Coding change: c.1299C>A on transcript NM_004006.3 (MANE Select); coding-DNA position 1299, C replaced by A.
Protein change: p.Cys433Ter; replaces cysteine 433 with a stop codon.
Molecular consequence: nonsense.
Genome position (GRCh38, 1-based): chrX:32,644,164, G>T on the plus strand (C>A on the coding strand, the complement: DMD is on the minus strand). VCF-style: chrX-32644164-G-T. GRCh37 (hg19) VCF-style: chrX-32662281-G-T.
Other names: c.1275C>A, p.Cys425Ter (NM_000109.4); c.1287C>A, p.Cys429Ter (NM_004009.3); c.930C>A, p.Cys310Ter (NM_004010.3); c.1299C>A (NM_004006.2); short protein forms C310*, C425*, C429*, C433*.
Identifiers: ClinVar variation 1419831 (VCV001419831.7), dbSNP rs372135475, ClinGen allele CA412660907.
Genomic context (GRCh38, chrX:32,644,164, plus strand): 5'-TCTTAATTAAAAACAAATAAGGACTTACTTGCTTTGTTTTTCCATGCTAGCTACCCTGAG[G>T]CATTCCCATCTTGAATTTAGGAGATTCATCTGCTCTTGTACTTCAGTTTCTTCATCTTCT-3'